The following is an entry in ClinVar:

NM_000540.3(RYR1):c.12375A>G (p.Glu4125=)

Gene: RYR1 (ryanodine receptor 1; plus strand). Cytogenetic location: 19q13.2.
Variant type: single nucleotide variant.
Coding change: c.12375A>G on transcript NM_000540.3 (MANE Select); coding-DNA position 12375, A replaced by G.
Protein change: p.Glu4125=; no amino-acid change (glutamic acid 4125 retained).
Molecular consequence: synonymous variant.
Genome position (GRCh38, 1-based): chr19:38,561,205, A>G. VCF-style: chr19-38561205-A-G. GRCh37 (hg19) VCF-style: chr19-39051845-A-G.
Other names: c.12360A>G, p.Glu4120= (NM_001042723.2).
Identifiers: ClinVar variation 725189 (VCV000725189.12), dbSNP rs777577833, ClinGen allele CA058785.

ClinVar aggregate classification (germline): Likely benign. Review status: criteria provided, multiple submitters, no conflicts (2 of 4 stars). 3 submissions from 3 submitters: Likely benign (3). Last evaluated 2025-10-07.

Conditions:
RYR1-related disorder. Also called: RYR1-related disorders; RYR1-related condition. Identifiers: MedGen CN239331.
Malignant hyperthermia, susceptibility to, 1 (MHS1). Also called: Anesthesia related hyperthermia; Malignant hyperpyrexia; Fulminating hyperpyrexia; Pharmacogenic myopathy; Malignant hyperthermia suceptibility 1; RYR1-Related Malignant Hyperthermia Susceptibility. Identifiers: Orphanet 423, MedGen C2930980, MONDO:0007783, OMIM 145600.

Allele frequency attached by ClinVar (database versions not stated): ExAC 0.00001; gnomAD exomes 0.00001.
gnomAD v4.1: 11 of 1,614,168 alleles (0.00068%); highest among the groups gnomAD compares: Middle Eastern, 0.016%; no homozygotes.

Submissions (3):

Labcorp Genetics (formerly Invitae), Labcorp
Classification: Likely benign for RYR1-related disorder. Last evaluated: 2025-10-07. Review status: criteria provided, single submitter. Criteria: Invitae Variant Classification Sherloc (09022015). Collection method: clinical testing. Allele origin: germline.

All of Us Research Program, National Institutes of Health
Classification: Likely benign for Malignant hyperthermia, susceptibility to, 1. Last evaluated: 2023-09-18. Review status: criteria provided, single submitter. Criteria: ACMG Guidelines, 2015. Collection method: clinical testing. Allele origin: germline. Inheritance: Autosomal dominant inheritance. Observed: 3 variant alleles, 3 heterozygotes.
Comment: This study involves interpretation of variants in research participants for the purpose of population health screening. Participant phenotype was not available at the time of variant classification. Additional details can be found in publication PMID: 35346344, PMCID: PMC8962531

Color Diagnostics, LLC DBA Color Health
Classification: Likely benign for Malignant hyperthermia, susceptibility to, 1. Last evaluated: 2022-11-06. Review status: criteria provided, single submitter. Criteria: ACMG Guidelines, 2015. Collection method: clinical testing. Allele origin: germline.